The following is an entry in ClinVar:

NM_033419.5(PGAP3):c.842T>C (p.Leu281Pro)

Gene: PGAP3 (post-GPI attachment to proteins phospholipase 3; minus strand). Cytogenetic location: 17q12.
Variant type: single nucleotide variant.
Coding change: c.842T>C on transcript NM_033419.5 (MANE Select); coding-DNA position 842, T replaced by C.
Protein change: p.Leu281Pro; replaces leucine 281 with proline.
Molecular consequence: missense variant. On other transcripts: intron variant (3).
Genome position (GRCh38, 1-based): chr17:39,673,108, A>G on the plus strand (T>C on the coding strand, the complement: PGAP3 is on the minus strand). VCF-style: chr17-39673108-A-G. GRCh37 (hg19) VCF-style: chr17-37829361-A-G.
Other names: c.689T>C, p.Leu230Pro (NM_001291726.2); c.779T>C, p.Leu260Pro (NM_001291728.2); c.433-242T>C (NM_001291733.2); c.495-242T>C (NM_001291732.2); c.558-242T>C (NM_001291730.2); short protein forms L281P, L230P, L260P.
Identifiers: ClinVar variation 224648 (VCV000224648.2), dbSNP rs869312817, ClinGen allele CA353594.

ClinVar aggregate classification (germline): Pathogenic (0 of 4 stars; one submission).

Conditions:
Hyperphosphatasia with impaired intellectual development syndrome 4. Also called: GLYCOSYLPHOSPHATIDYLINOSITOL BIOSYNTHESIS DEFECT 10; Hyperphosphatasia with intellectual disability syndrome 4. Identifiers: Orphanet 247262, MedGen C3810354, MONDO:0014318, OMIM 615716.

Submission:

Institute for Medical Genetics and Human Genetics, Charité - Universitätsmedizin Berlin
Classification: Pathogenic for Hyperphosphatasia with impaired intellectual development syndrome 4. Last evaluated: 2016-03-01. Review status: no assertion criteria provided. Collection method: research. Allele origin: germline. Affected: yes.
Comment: Disease causing variant in homozygous or compound heterozygous state